The following is an entry in ClinVar:

NM_001042492.3(NF1):c.3855G>A (p.Met1285Ile)

Gene: NF1 (neurofibromin 1; plus strand). Cytogenetic location: 17q11.2.
Variant type: single nucleotide variant.
Coding change: c.3855G>A on transcript NM_001042492.3 (MANE Select); coding-DNA position 3855, G replaced by A.
Protein change: p.Met1285Ile; replaces methionine 1285 with isoleucine.
Molecular consequence: missense variant.
Genome position (GRCh38, 1-based): chr17:31,235,757, G>A. VCF-style: chr17-31235757-G-A. GRCh37 (hg19) VCF-style: chr17-29562775-G-A.
Other names: c.3855G>A, p.Met1285Ile (NM_000267.4); short protein forms M1285I.
Identifiers: ClinVar variation 4030075 (VCV004030075.1).

ClinVar aggregate classification (germline): Uncertain significance (1 of 4 stars; one submission).

Conditions:
Cardiovascular phenotype. Identifiers: MedGen CN230736.
Hereditary cancer-predisposing syndrome. Also called: Neoplastic Syndromes, Hereditary; Tumor predisposition; Hereditary neoplastic syndrome; Hereditary Cancer Syndrome. Identifiers: Orphanet 140162, MedGen C0027672, MeSH D009386, MONDO:0015356.

Submission:

Ambry Genetics
Classification: Uncertain significance for Cardiovascular phenotype; Hereditary cancer-predisposing syndrome. Last evaluated: 2025-05-15. Review status: criteria provided, single submitter. Criteria: Ambry Variant Classification Scheme 2023. Collection method: clinical testing. Allele origin: germline.
Comment: The p.M1285I variant (also known as c.3855G>A), located in coding exon 28 of the NF1 gene, results from a G to A substitution at nucleotide position 3855. The methionine at codon 1285 is replaced by isoleucine, an amino acid with highly similar properties. This amino acid position is conserved. In addition, this alteration is predicted to be deleterious by in silico analysis. Based on the available evidence, the clinical significance of this variant remains unclear.